The following is an entry in ClinVar:

NM_020297.4(ABCC9):c.2161G>A (p.Glu721Lys)

Gene: ABCC9 (ATP binding cassette subfamily C member 9; minus strand). Cytogenetic location: 12p12.1.
Variant type: single nucleotide variant.
Coding change: c.2161G>A on transcript NM_020297.4 (MANE Select); coding-DNA position 2161, G replaced by A.
Protein change: p.Glu721Lys; replaces glutamic acid 721 with lysine.
Molecular consequence: missense variant.
Genome position (GRCh38, 1-based): chr12:21,872,662, C>T on the plus strand (G>A on the coding strand, the complement: ABCC9 is on the minus strand). VCF-style: chr12-21872662-C-T. GRCh37 (hg19) VCF-style: chr12-22025596-C-T.
Other names: c.2161G>A, p.Glu721Lys (NM_001377273.1, NM_005691.4); c.1297G>A, p.Glu433Lys (NM_001377274.1); short protein forms E433K, E721K.
Identifiers: ClinVar variation 2770094 (VCV002770094.3), dbSNP rs2541325547, ClinGen allele CA384132569.

ClinVar aggregate classification (germline): Uncertain significance (1 of 4 stars; one submission).

Conditions:
Dilated cardiomyopathy 1O (CMD1O). Also called: CARDIOMYOPATHY, DILATED, WITH VENTRICULAR TACHYCARDIA. Identifiers: Orphanet 154, MedGen C1837839, MONDO:0012062, OMIM 608569.

Submission:

Labcorp Genetics (formerly Invitae), Labcorp
Classification: Uncertain significance for Dilated cardiomyopathy 1O. Last evaluated: 2023-06-05. Review status: criteria provided, single submitter. Criteria: Invitae Variant Classification Sherloc (09022015). Collection method: clinical testing. Allele origin: germline.
Comment: In summary, the available evidence is currently insufficient to determine the role of this variant in disease. Therefore, it has been classified as a Variant of Uncertain Significance. Advanced modeling of protein sequence and biophysical properties (such as structural, functional, and spatial information, amino acid conservation, physicochemical variation, residue mobility, and thermodynamic stability) performed at Invitae indicates that this missense variant is expected to disrupt ABCC9 protein function. This variant has not been reported in the literature in individuals affected with ABCC9-related conditions. This variant is not present in population databases (gnomAD no frequency). This sequence change replaces glutamic acid, which is acidic and polar, with lysine, which is basic and polar, at codon 721 of the ABCC9 protein (p.Glu721Lys).